The following is an entry in ClinVar:

NM_000143.4(FH):c.132+5G>A

Gene: FH (fumarate hydratase; minus strand). Cytogenetic location: 1q43.
Variant type: single nucleotide variant.
Coding change: c.132+5G>A on transcript NM_000143.4 (MANE Select); 5 bases into the intron after coding-DNA position 132, G replaced by A.
Molecular consequence: intron variant.
Genome position (GRCh38, 1-based): chr1:241,519,586, C>T on the plus strand (G>A on the coding strand, the complement: FH is on the minus strand). VCF-style: chr1-241519586-C-T. GRCh37 (hg19) VCF-style: chr1-241682886-C-T.
Identifiers: ClinVar variation 429180 (VCV000429180.14), dbSNP rs1060499627, ClinGen allele CA645369152.

ClinVar aggregate classification (germline): Conflicting classifications of pathogenicity. Review status: criteria provided, conflicting classifications (1 of 4 stars). 2 submissions from 2 submitters: Likely pathogenic (1); Uncertain significance (1). Last evaluated 2026-06-28.

Conditions:
Hereditary cancer-predisposing syndrome. Also called: Neoplastic Syndromes, Hereditary; Hereditary neoplastic syndrome; Hereditary Cancer Syndrome; Tumor predisposition. Identifiers: Orphanet 140162, MedGen C0027672, MeSH D009386, MONDO:0015356.

Submissions (2):

Ambry Genetics
Classification: Likely pathogenic for Hereditary cancer-predisposing syndrome. Last evaluated: 2026-06-28. Review status: criteria provided, single submitter. Criteria: Ambry Variant Classification Scheme 2023. Collection method: clinical testing. Allele origin: germline.
Comment: The c.132+5G>A intronic variant results from a G to A substitution 5 nucleotides after coding exon 1 in the FH gene. This nucleotide position is highly conserved in available vertebrate species. This variant was reported in individual(s) with features consistent with FH-related disease (Ambry internal data, external communication). This variant is considered to be rare based on population cohorts in the Genome Aggregation Database (gnomAD). In silico splice site analysis predicts that this alteration will weaken the native splice donor site, however, direct evidence is insufficient at this time (Ambry internal data). Based on the majority of available evidence to date, this variant is likely to be pathogenic.

Labcorp Genetics (formerly Invitae), Labcorp
Classification: Uncertain significance. Last evaluated: 2021-07-26. Review status: criteria provided, single submitter. Criteria: Invitae Variant Classification Sherloc (09022015). Collection method: clinical testing. Allele origin: germline.
Comment: In summary, the available evidence is currently insufficient to determine the role of this variant in disease. Therefore, it has been classified as a Variant of Uncertain Significance. Nucleotide substitutions within the consensus splice site are a relatively common cause of aberrant splicing (PMID: 17576681, 9536098). Algorithms developed to predict the effect of sequence changes on RNA splicing suggest that this variant may disrupt the consensus splice site, but this prediction has not been confirmed by published transcriptional studies. This variant has not been reported in the literature in individuals with FH-related disease. ClinVar contains an entry for this variant (Variation ID: 429180). This variant is not present in population databases (ExAC no frequency). This sequence change falls in intron 1 of the FH gene. It does not directly change the encoded amino acid sequence of the FH protein, but it affects a nucleotide within the consensus splice site of the intron.

Literature cited by the submitters: PubMed 17576681 (cited by Labcorp Genetics (formerly Invitae), Labcorp); PubMed 9536098 (cited by Labcorp Genetics (formerly Invitae), Labcorp).